The following is an entry in ClinVar:

NM_000179.3(MSH6):c.3263dup (p.Glu1090fs)

Gene: MSH6 (mutS homolog 6; plus strand). Cytogenetic location: 2p16.3.
Variant type: Duplication.
Coding change: c.3263dup on transcript NM_000179.3 (MANE Select); coding-DNA position 3263, one base duplicated (T; older notation c.3263dupT).
Protein change: p.Glu1090fs; shifts the reading frame from glutamic acid 1090.
Molecular consequence: frameshift variant.
Genome position (GRCh38, 1-based): chr2:47,803,510, T duplicated; the last of 2 consecutive T bases (chr2:47,803,509-47,803,510); duplicating either gives the same sequence. VCF-style (leftmost placement, unchanged base first): chr2-47803508-C-CT. GRCh37 (hg19) VCF-style: chr2-48030647-C-CT.
Other names: c.2873dup, p.Glu960fs (NM_001281492.2); c.2357dup, p.Glu788fs (NM_001281493.2, NM_001281494.2); c.3263dupT (NM_000179.2); short protein forms E960fs, E788fs, E1090fs.
Identifiers: ClinVar variation 89365 (VCV000089365.3), dbSNP rs267608091, ClinGen allele CA012353.
Genomic context (GRCh38, chr2:47,803,508, plus strand): 5'-TCGAGGGGGTGATGGTCCTATGTGTCGCCCAGTAATTCTGTTGCCGGAAGATACCCCCCC[C>CT]TTCTTAGAGCTTAAAGGATCACGCCATCCTTGCATTACGAAGACTTTTTTTGGAGATGAT-3'

ClinVar aggregate classification (germline): Pathogenic. Review status: reviewed by expert panel (3 of 4 stars). 2 submissions from 2 submitters: Pathogenic (1). 1 of the submissions does not count toward it. Last evaluated 2013-09-05.

Conditions:
Lynch syndrome. Identifiers: Orphanet 144, MedGen C4552100, MONDO:0005835. Disease mechanism: loss of function.
Hereditary cancer-predisposing syndrome. Also called: Tumor predisposition; Hereditary Cancer Syndrome; Hereditary neoplastic syndrome; Neoplastic Syndromes, Hereditary. Identifiers: Orphanet 140162, MedGen C0027672, MeSH D009386, MONDO:0015356.

Submissions (2):

International Society for Gastrointestinal Hereditary Tumours (InSiGHT)
Classification: Pathogenic for Lynch Syndrome. Last evaluated: 2013-09-05. Review status: reviewed by expert panel. Criteria: Guidelines v1.9. Collection method: research. Allele origin: germline.
Comment: Coding sequence variation resulting in a stop codon

Classified with v1.9 guidelines

Ambry Genetics
Classification: Pathogenic for Hereditary cancer-predisposing syndrome. Last evaluated: 2024-09-06. Review status: criteria provided, single submitter. Criteria: Ambry Variant Classification Scheme 2023. Collection method: clinical testing. Allele origin: germline. Not counted in ClinVar's aggregate classification.
Comment: The c.3263dupT pathogenic mutation, located in coding exon 5 of the MSH6 gene, results from a duplication of T at nucleotide position 3263, causing a translational frameshift with a predicted alternate stop codon (p.E1090Rfs*3). This variant is considered to be rare based on population cohorts in the Genome Aggregation Database (gnomAD). This alteration is expected to result in loss of function by premature protein truncation or nonsense-mediated mRNA decay. As such, this alteration is interpreted as a disease-causing mutation.

Literature cited by the submitters: PubMed 11709755 (cited by Ambry Genetics).